The following is an entry in ClinVar:

ClinVar aggregate classification (germline): Benign/Likely benign. Review status: criteria provided, multiple submitters, no conflicts (2 of 4 stars). 4 submissions from 4 submitters: Benign (1); Likely benign (3). Last evaluated 2026-01-20.

Conditions:
Early-infantile DEE. Also called: Ohtahara syndrome; Early infantile epileptic encephalopathy; Early infantile epileptic encephalopathy with suppression bursts. Identifiers: Orphanet 1934, MedGen C0393706, MONDO:0800491.

Allele frequency attached by ClinVar (database versions not stated): gnomAD exomes 0.00015 and 0.00030; ExAC 0.00017; TOPMed 0.00018; gnomAD 0.00020 and 0.00023.

Submissions (4):

Labcorp Genetics (formerly Invitae), Labcorp
Classification: Likely benign for Early-infantile DEE. Last evaluated: 2026-01-20. Review status: criteria provided, single submitter. Criteria: Invitae Variant Classification Sherloc (09022015). Collection method: clinical testing. Allele origin: germline.

Blueprint Genetics
Classification: Likely benign. Last evaluated: 2024-09-23. Review status: criteria provided, single submitter. Criteria: ACMG Guidelines, 2015. Collection method: clinical testing. Allele origin: germline.

ARUP Laboratories, Molecular Genetics and Genomics, ARUP Laboratories
Classification: Likely benign. Last evaluated: 2024-04-08. Review status: criteria provided, single submitter. Criteria: ARUP Molecular Germline Variant Investigation Process 2024. Collection method: clinical testing. Allele origin: germline.

GeneDx
Classification: Benign. Last evaluated: 2015-05-28. Review status: criteria provided, single submitter. Criteria: GeneDx Variant Classification (06012015). Collection method: clinical testing. Allele origin: germline. Affected: yes.
Comment: This variant is considered likely benign or benign based on one or more of the following criteria: it is a conservative change, it occurs at a poorly conserved position in the protein, it is predicted to be benign by multiple in silico algorithms, and/or has population frequency not consistent with disease.

NM_001330260.2(SCN8A):c.2370+14_2370+15del

Gene: SCN8A (sodium voltage-gated channel alpha subunit 8; plus strand). Cytogenetic location: 12q13.13.
Variant type: Deletion.
Coding change: c.2370+14_2370+15del on transcript NM_001330260.2 (MANE Select); bases 14 to 15 of the intron after coding-DNA position 2370, 2 bases deleted (CT; older notation c.2370+14_2370+15delCT).
Molecular consequence: intron variant.
Genome position (GRCh38, 1-based): chr12:51,751,607-51,751,608, CT deleted. VCF-style (leftmost placement, unchanged base first): chr12-51751606-ACT-A. GRCh37 (hg19) VCF-style: chr12-52145390-ACT-A.
Other names: c.2370+14_2370+15del (NM_014191.4, NM_001177984.3, NM_001369788.1).
Identifiers: ClinVar variation 418481 (VCV000418481.11), dbSNP rs768088808, ClinGen allele CA6571459.